The following is an entry in ClinVar:

NM_000492.4(CFTR):c.716G>A (p.Gly239Glu)

Gene: CFTR (CF transmembrane conductance regulator; plus strand). Cytogenetic location: 7q31.2.
Variant type: single nucleotide variant.
Coding change: c.716G>A on transcript NM_000492.4 (MANE Select); coding-DNA position 716, G replaced by A.
Protein change: p.Gly239Glu; replaces glycine 239 with glutamic acid.
Molecular consequence: missense variant.
Genome position (GRCh38, 1-based): chr7:117,535,384, G>A. VCF-style: chr7-117535384-G-A. GRCh37 (hg19) VCF-style: chr7-117175438-G-A.
Other names: short protein forms G239E.
Identifiers: ClinVar variation 2567879 (VCV002567879.3), dbSNP rs1798935714, ClinGen allele CA368977135.
Genomic context (GRCh38, chr7:117,535,384, plus strand): 5'-TACAGGCGTCTGCCTTCTGTGGACTTGGTTTCCTGATAGTCCTTGCCCTTTTTCAGGCTG[G>A]GCTAGGGAGAATGATGATGAAGTACAGGTAGCAACCTATTTTCATAACTTGAAAGTTTTA-3'
Protein context (NP_000483.3, residues 229-249): FLIVLALFQA[Gly239Glu]LGRMMMKYRD

ClinVar aggregate classification (germline): Uncertain significance (1 of 4 stars; one submission).

Conditions:
Cystic fibrosis (CF). Also called: MUCOVISCIDOSIS. Identifiers: Orphanet 586, MedGen C0010674, MONDO:0009061, OMIM 219700. Disease mechanism: loss of function.

Allele frequency attached by ClinVar (database versions not stated): gnomAD exomes below 0.00001.
gnomAD v4.1: 1 of 1,614,040 alleles (0.000062%); highest among the groups gnomAD compares: Admixed American, 0.0017%; no homozygotes.

Submission:

Ambry Genetics
Classification: Uncertain significance for Cystic fibrosis. Last evaluated: 2025-12-03. Review status: criteria provided, single submitter. Criteria: Ambry Variant Classification Scheme 2023. Collection method: clinical testing. Allele origin: germline.
Comment: The p.G239E variant (also known as c.716G>A), located in coding exon 6 of the CFTR gene, results from a G to A substitution at nucleotide position 716. The glycine at codon 239 is replaced by glutamic acid, an amino acid with similar properties. This amino acid position is conserved. In addition, the in silico prediction for this alteration is inconclusive. Since supporting evidence is limited at this time, the clinical significance of this alteration remains unclear.